The following is an entry in ClinVar:

NM_000127.3(EXT1):c.1237del (p.Glu413fs)

Gene: EXT1 (exostosin glycosyltransferase 1; minus strand). Cytogenetic location: 8q24.11.
Variant type: Deletion.
Coding change: c.1237del on transcript NM_000127.3 (MANE Select); coding-DNA position 1237, one base deleted (G; older notation c.1237delG).
Protein change: p.Glu413fs; shifts the reading frame from glutamic acid 413.
Molecular consequence: frameshift variant.
Genome position (GRCh38, 1-based): chr8:117,830,277, C deleted on the plus strand (G on the coding strand, the reverse complement: EXT1 is on the minus strand); the first of 3 consecutive C bases (chr8:117,830,277-117,830,279); deleting any one gives the same sequence. VCF-style (leftmost placement, unchanged base first): chr8-117830276-TC-T. GRCh37 (hg19) VCF-style: chr8-118842515-TC-T.
Other names: c.1237del (NM_000127.2); short protein forms E413fs.
Identifiers: ClinVar variation 2504685 (VCV002504685.1), dbSNP rs2488125996, ClinGen allele CA2580617225.

ClinVar aggregate classification (germline): Pathogenic (1 of 4 stars; one submission).

Submission:

GeneDx
Classification: Pathogenic. Last evaluated: 2022-12-09. Review status: criteria provided, single submitter. Criteria: GeneDx Variant Classification Process June 2021. Collection method: clinical testing. Allele origin: germline. Affected: yes.
Comment: Frameshift variant predicted to result in protein truncation or nonsense mediated decay in a gene for which loss of function is a known mechanism of disease; Not observed at significant frequency in large population cohorts (gnomAD); This variant is associated with the following publications: (PMID: 16088908)